The following is an entry in ClinVar:

NM_022489.4(INF2):c.3605C>T (p.Ser1202Leu)

Gene: INF2 (inverted formin 2; plus strand). Cytogenetic location: 14q32.33.
Variant type: single nucleotide variant.
Coding change: c.3605C>T on transcript NM_022489.4 (MANE Select); coding-DNA position 3605, C replaced by T.
Protein change: p.Ser1202Leu; replaces serine 1202 with leucine.
Molecular consequence: missense variant.
Genome position (GRCh38, 1-based): chr14:104,714,767, C>T. VCF-style: chr14-104714767-C-T. GRCh37 (hg19) VCF-style: chr14-105181104-C-T.
Other names: c.3605C>T, p.Ser1202Leu (NM_001031714.4); short protein forms S1202L.
Identifiers: ClinVar variation 661621 (VCV000661621.8), dbSNP rs751351877, ClinGen allele CA7373317.
Genomic context (GRCh38, chr14:104,714,767, plus strand): 5'-AGTCCGCACTGGACACATCCCTGGACAAGTCCTTCTCCGAGGATGCGGTGACCGACTCCT[C>T]GGGGTCGGGCACACTCCCCAGGGCCCGGGGCCGGGCCTCAAAGGGGACCGGGAAGCGAAG-3'
Protein context (NP_071934.3, residues 1192-1212): SFSEDAVTDS[Ser1202Leu]GSGTLPRARG

ClinVar aggregate classification (germline): Uncertain significance (1 of 4 stars; one submission).

Conditions:
Focal segmental glomerulosclerosis 5 (FSGS5). Identifiers: Orphanet 656, MedGen C2750475, MONDO:0013191, OMIM 613237.
Charcot-Marie-Tooth disease dominant intermediate E. Also called: CHARCOT-MARIE-TOOTH NEUROPATHY WITH FOCAL SEGMENTAL GLOMERULONEPHRITIS. Identifiers: Orphanet 93114, MedGen C4302667, MONDO:0013758, OMIM 614455.

Allele frequency attached by ClinVar (database versions not stated): gnomAD 0.00001; gnomAD exomes 0.00001; TOPMed 0.00001; ExAC 0.00003.
gnomAD v4.1: 10 of 1,598,570 alleles (0.00063%); highest among the groups gnomAD compares: East Asian, 0.0067%; no homozygotes.

Submission:

Labcorp Genetics (formerly Invitae), Labcorp
Classification: Uncertain significance for Charcot-Marie-Tooth disease dominant intermediate E; Focal segmental glomerulosclerosis 5. Last evaluated: 2021-06-29. Review status: criteria provided, single submitter. Criteria: Invitae Variant Classification Sherloc (09022015). Collection method: clinical testing. Allele origin: germline.
Comment: This sequence change replaces serine with leucine at codon 1202 of the INF2 protein (p.Ser1202Leu). The serine residue is moderately conserved and there is a large physicochemical difference between serine and leucine. The frequency data for this variant in the population databases is considered unreliable, as metrics indicate poor data quality at this position in the ExAC database. This variant has not been reported in the literature in individuals with INF2-related disease. Algorithms developed to predict the effect of missense changes on protein structure and function are either unavailable or do not agree on the potential impact of this missense change (SIFT: "Deleterious"; PolyPhen-2: "Benign"; Align-GVGD: "Class C0"). In summary, the available evidence is currently insufficient to determine the role of this variant in disease. Therefore, it has been classified as a Variant of Uncertain Significance.